The following is an entry in ClinVar:

ClinVar aggregate classification (germline): Uncertain significance (1 of 4 stars; one submission).

Conditions:
Neuromuscular disease and ocular or auditory anomalies with or without seizures. Also called: NEUROMUSCULAR OCULOAUDITORY SYNDROME. Identifiers: MedGen C5231483, MONDO:0032890, OMIM 618733.

Allele frequency attached by ClinVar (database versions not stated): TOPMed below 0.00001; gnomAD 0.00007; gnomAD exomes 0.00009; ExAC 0.00026; 1000 Genomes Project 30x 0.00078; 1000 Genomes Project 0.00100.
gnomAD v4.1: 140 of 1,611,242 alleles (0.0087%); highest among the groups gnomAD compares: South Asian, 0.14%; no homozygotes.

Submission:

Neuberg Centre For Genomic Medicine, NCGM
Classification: Uncertain significance for Neuromuscular disease and ocular or auditory anomalies with or without seizures. Review status: criteria provided, single submitter. Criteria: ACMG Guidelines, 2015. Collection method: clinical testing. Allele origin: germline. Inheritance: Autosomal dominant inheritance. Affected: yes.
Comment: The missense variant c.646G>A(p.Glu216Lys) in DHX16 gene has not been reported previously as a pathogenic variant nor as a benign variant, to our knowledge. The observed variant is reported with allele frequency of 0.02% in gnomAD database. This variant has not been reported to the ClinVar database. The amino acid change p.Glu216Lys in DHX16 is predicted as conserved by GERP++ and PhyloP across 100 vertebrates. The amino acid Glu at position 216 is changed to a Lys changing protein sequence and it might alter its composition and physico-chemical properties. For these reasons, this variant has been classified as Uncertain Significance (VUS).

NM_003587.5(DHX16):c.646G>A (p.Glu216Lys)

Gene: DHX16 (DEAH-box helicase 16; minus strand). Cytogenetic location: 6p21.33.
Variant type: single nucleotide variant.
Coding change: c.646G>A on transcript NM_003587.5 (MANE Select); coding-DNA position 646, G replaced by A.
Protein change: p.Glu216Lys; replaces glutamic acid 216 with lysine.
Molecular consequence: missense variant. On other transcripts: 5 prime UTR variant (1).
Genome position (GRCh38, 1-based): chr6:30,670,430, C>T on the plus strand (G>A on the coding strand, the complement: DHX16 is on the minus strand). VCF-style: chr6-30670430-C-T. GRCh37 (hg19) VCF-style: chr6-30638207-C-T.
Other names: c.466G>A, p.Glu156Lys (NM_001164239.2); c.-1474G>A (NM_001363515.2); short protein forms E216K, E156K.
Identifiers: ClinVar variation 2585063 (VCV002585063.1), dbSNP rs539487104, ClinGen allele CA3701428.